The following is an entry in ClinVar:

ClinVar aggregate classification (germline): Uncertain significance. Review status: criteria provided, multiple submitters, no conflicts (2 of 4 stars). 2 submissions from 2 submitters: Uncertain significance (2). Last evaluated 2024-08-28.

Conditions:
Inborn genetic diseases. Identifiers: MedGen C0950123, MeSH D030342.

Allele frequency attached by ClinVar (database versions not stated): 1000 Genomes Project 30x 0.00016.
gnomAD v4.1: 34 of 1,596,498 alleles (0.0021%); highest among the groups gnomAD compares: East Asian, 0.048%; no homozygotes.

Submissions (2):

Ambry Genetics
Classification: Uncertain significance for Inborn genetic diseases. Last evaluated: 2024-08-28. Review status: criteria provided, single submitter. Criteria: Ambry Variant Classification Scheme 2023. Collection method: clinical testing. Allele origin: germline.

GeneDx
Classification: Uncertain significance. Last evaluated: 2022-12-31. Review status: criteria provided, single submitter. Criteria: GeneDx Variant Classification Process June 2021. Collection method: clinical testing. Allele origin: germline. Affected: yes.
Comment: In silico analysis supports that this missense variant does not alter protein structure/function; Has not been previously published as pathogenic or benign to our knowledge

NM_001080453.3(INTS1):c.436G>A (p.Val146Met)

Gene: INTS1 (integrator complex subunit 1; minus strand). Cytogenetic location: 7p22.3.
Variant type: single nucleotide variant.
Coding change: c.436G>A on transcript NM_001080453.3 (MANE Select); coding-DNA position 436, G replaced by A.
Protein change: p.Val146Met; replaces valine 146 with methionine.
Molecular consequence: missense variant.
Genome position (GRCh38, 1-based): chr7:1,500,280, C>T on the plus strand (G>A on the coding strand, the complement: INTS1 is on the minus strand). VCF-style: chr7-1500280-C-T. GRCh37 (hg19) VCF-style: chr7-1539916-C-T.
Other names: short protein forms V146M.
Identifiers: ClinVar variation 2507198 (VCV002507198.2), dbSNP rs182741272, ClinGen allele CA4120783.